The following is an entry in ClinVar:

NM_000143.4(FH):c.268-15del

Gene: FH (fumarate hydratase; minus strand). Cytogenetic location: 1q43.
Variant type: Deletion.
Coding change: c.268-15del on transcript NM_000143.4 (MANE Select); 15 bases into the intron before coding-DNA position 268, one base deleted (T; older notation c.268-15delT).
Molecular consequence: intron variant.
Genome position (GRCh38, 1-based): chr1:241,513,728, A deleted on the plus strand (T on the coding strand, the reverse complement: FH is on the minus strand); the first of 5 consecutive A bases (chr1:241,513,728-241,513,732); deleting any one gives the same sequence. VCF-style (leftmost placement, unchanged base first): chr1-241513727-GA-G. GRCh37 (hg19) VCF-style: chr1-241677027-GA-G.
Identifiers: ClinVar variation 1582095 (VCV001582095.9), dbSNP rs1343862298, ClinGen allele CA529930647.

ClinVar aggregate classification (germline): Benign/Likely benign. Review status: criteria provided, multiple submitters, no conflicts (2 of 4 stars). 2 submissions from 2 submitters: Benign (1); Likely benign (1). Last evaluated 2025-01-13.

Conditions:
Hereditary leiomyomatosis and renal cell cancer. Also called: MULTIPLE CUTANEOUS AND UTERINE LEIOMYOMATA 1, WITH OR WITHOUT RENAL CELL CARCINOMA; LEIOMYOMA, MULTIPLE CUTANEOUS; Reed syndrome; Multiple cutaneous and uterine leiomyomatosis; Cutaneous leiomyomata with uterine leiomyomata; Leiomyoma, hereditary multiple, of skin. Identifiers: Orphanet 523, MedGen C1708350, MONDO:0007888, OMIM 150800, HP:0007437. Disease mechanism: loss of function.

Submissions (2):

Labcorp Genetics (formerly Invitae), Labcorp
Classification: Benign. Last evaluated: 2025-01-13. Review status: criteria provided, single submitter. Criteria: Invitae Variant Classification Sherloc (09022015). Collection method: clinical testing. Allele origin: germline.

Myriad Genetics, Inc.
Classification: Likely benign for Hereditary leiomyomatosis and renal cell cancer. Last evaluated: 2024-10-17. Review status: criteria provided, single submitter. Criteria: Myriad Autosomal Dominant, Autosomal Recessive and X-Linked Classification Criteria (2023). Collection method: clinical testing. Allele origin: unknown.
Comment: This variant is considered likely benign. This variant is intronic and is not expected to impact mRNA splicing.